The following is an entry in ClinVar:

ClinVar aggregate classification (germline): Pathogenic. Review status: criteria provided, multiple submitters, no conflicts (2 of 4 stars). 5 submissions from 5 submitters: Pathogenic (4). 1 of the submissions does not count toward it. Last evaluated 2026-02-19.

Conditions:
Neurofibromatosis, type 1 (NF1). Also called: VON RECKLINGHAUSEN DISEASE; Neurofibromatosis, type I; NEUROFIBROMATOSIS, TYPE I, SOMATIC; Peripheral type neurofibromatosis. Identifiers: Orphanet 636, MedGen C0027831, MONDO:0018975, OMIM 162200. Disease mechanism: loss of function.

Submissions (5):

GeneDx
Classification: Pathogenic. Last evaluated: 2026-02-19. Review status: criteria provided, single submitter. Criteria: GeneDx Variant Classification Process June 2021. Collection method: clinical testing. Allele origin: germline. Affected: yes.
Comment: Canonical splice site variant predicted to result in an in-frame loss of the adjacent exon in a gene for which loss of function is a known mechanism of disease; Deletions involving coding exons in this gene are frequently reported as pathogenic, regardless of frame prediction (HGMD); Not observed at significant frequency in large population cohorts (gnomAD); This variant is associated with the following publications: (PMID: 28481359, 26076063, 38226287, 37806041)

Variantyx, Inc.
Classification: Pathogenic for Neurofibromatosis, type 1. Last evaluated: 2025-03-24. Review status: criteria provided, single submitter. Criteria: Variantyx Assertion Criteria 2022. Collection method: clinical testing. Allele origin: germline. Affected: yes.
Comment: This is a canonical splicing variant in the NF1 gene (OMIM: 613113). Pathogenic variants in this gene have been associated with autosomal dominant neurofibromatosis type 1. This splicing variant is expected to result in loss of function, which is a known disease mechanism for NF1 in this disorder (PMID: 34427956, 10712197, 23913538, 38226287) (PVS1). This variant has been reported in at least 1 affected individual(s) (PMID: 38226287) (PS4_Supporting). This variant is absent from control populations (PM2_Supporting). Based on the current evidence, this variant is classified as pathogenic for autosomal dominant neurofibromatosis type 1.

Institute for Clinical Genetics, University Hospital TU Dresden, University Hospital TU Dresden
Classification: Pathogenic. Last evaluated: 2023-05-16. Review status: criteria provided, single submitter. Criteria: ACMG Guidelines, 2015. Collection method: clinical testing. Allele origin: germline.
Comment: PVS1, PP4, PM2_SUP

Labcorp Genetics (formerly Invitae), Labcorp
Classification: Pathogenic for Neurofibromatosis, type 1. Last evaluated: 2020-02-19. Review status: criteria provided, single submitter. Criteria: Invitae Variant Classification Sherloc (09022015). Collection method: clinical testing. Allele origin: germline.
Comment: For these reasons, this variant has been classified as Pathogenic. Donor and acceptor splice site variants typically lead to a loss of protein function (PMID: 16199547), and loss-of-function variants in NF1 are known to be pathogenic (PMID: 10712197, 23913538). Algorithms developed to predict the effect of sequence changes on RNA splicing suggest that this variant may disrupt the consensus splice site, but this prediction has not been confirmed by published transcriptional studies. Disruption of this splice site has been observed in several individuals with clinical features of neurofibromatosis type 1 (Invitae). ClinVar contains an entry for this variant (Variation ID: 580769). This sequence change affects an acceptor splice site in intron 12 of the NF1 gene. It is expected to disrupt RNA splicing and likely results in an absent or disrupted protein product. This variant is not present in population databases (ExAC no frequency).

Department of Pediatrics, The First Affiliated Hospital of Wenzhou Medical University
No classification provided. Condition: Neurofibromatosis, type 1. Review status: no classification provided. Collection method: phenotyping only. Allele origin: de novo. Affected: yes. Observed: 1 variant allele. Not counted in ClinVar's aggregate classification.

Literature cited by the submitters: PubMed 16199547 (cited by Labcorp Genetics (formerly Invitae), Labcorp); PubMed 10712197 (cited by Labcorp Genetics (formerly Invitae), Labcorp); PubMed 23913538 (cited by Labcorp Genetics (formerly Invitae), Labcorp).

NM_001042492.3(NF1):c.1393-1G>A

Gene: NF1 (neurofibromin 1; plus strand). Cytogenetic location: 17q11.2.
Variant type: single nucleotide variant.
Coding change: c.1393-1G>A on transcript NM_001042492.3 (MANE Select); the canonical splice acceptor site of the intron before coding-DNA position 1393, G replaced by A.
Molecular consequence: splice acceptor variant.
Genome position (GRCh38, 1-based): chr17:31,214,450, G>A. VCF-style: chr17-31214450-G-A. GRCh37 (hg19) VCF-style: chr17-29541468-G-A.
Other names: c.1393-1G>A (NM_000267.4, NM_001128147.3).
Identifiers: ClinVar variation 580769 (VCV000580769.10), dbSNP rs1131691131, ClinGen allele CA399001401.